The following is an entry in ClinVar:

ClinVar aggregate classification (germline): Uncertain significance (1 of 4 stars; one submission).

gnomAD v4.1: 7 of 1,534,100 alleles (0.00046%); highest among the groups gnomAD compares: East Asian, 0.0049%; 1 homozygote.

Submission:

Labcorp Genetics (formerly Invitae), Labcorp
Classification: Uncertain significance. Last evaluated: 2024-10-24. Review status: criteria provided, single submitter. Criteria: Invitae Variant Classification Sherloc (09022015). Collection method: clinical testing. Allele origin: germline.
Comment: This sequence change replaces aspartic acid, which is acidic and polar, with glycine, which is neutral and non-polar, at codon 628 of the PIEZO2 protein (p.Asp628Gly). This variant is not present in population databases (gnomAD no frequency). This variant has not been reported in the literature in individuals affected with PIEZO2-related conditions. ClinVar contains an entry for this variant (Variation ID: 1499972). An algorithm developed to predict the effect of missense changes on protein structure and function (PolyPhen-2) suggests that this variant is likely to be disruptive. In summary, the available evidence is currently insufficient to determine the role of this variant in disease. Therefore, it has been classified as a Variant of Uncertain Significance.

NM_001378183.1(PIEZO2):c.1883A>G (p.Asp628Gly)

Gene: PIEZO2 (piezo type mechanosensitive ion channel component 2; minus strand). Cytogenetic location: 18p11.22.
Variant type: single nucleotide variant.
Coding change: c.1883A>G on transcript NM_001378183.1 (MANE Select); coding-DNA position 1883, A replaced by G.
Protein change: p.Asp628Gly; replaces aspartic acid 628 with glycine.
Molecular consequence: missense variant.
Genome position (GRCh38, 1-based): chr18:10,789,365, T>C on the plus strand (A>G on the coding strand, the complement: PIEZO2 is on the minus strand). VCF-style: chr18-10789365-T-C. GRCh37 (hg19) VCF-style: chr18-10789363-T-C.
Other names: c.1883A>G, p.Asp628Gly (NM_022068.4); short protein forms D628G.
Identifiers: ClinVar variation 1499972 (VCV001499972.6), dbSNP rs375721417, ClinGen allele CA401922638.